The following is an entry in ClinVar:

ClinVar aggregate classification (germline): Uncertain significance (1 of 4 stars; one submission).

Submission:

Labcorp Genetics (formerly Invitae), Labcorp
Classification: Uncertain significance. Last evaluated: 2025-11-12. Review status: criteria provided, single submitter. Criteria: Invitae Variant Classification Sherloc (09022015). Collection method: clinical testing. Allele origin: germline.
Comment: This sequence change replaces asparagine, which is neutral and polar, with serine, which is neutral and polar, at codon 508 of the ZSWIM6 protein (p.Asn508Ser). This variant is not present in population databases (gnomAD no frequency). This variant has not been reported in the literature in individuals affected with ZSWIM6-related conditions. An algorithm developed to predict the effect of missense changes on protein structure and function outputs the following: PolyPhen-2: "Benign". The serine amino acid residue is found in multiple mammalian species, which suggests that this missense change does not adversely affect protein function. In summary, the available evidence is currently insufficient to determine the role of this variant in disease. Therefore, it has been classified as a Variant of Uncertain Significance.

NM_020928.2(ZSWIM6):c.1523A>G (p.Asn508Ser)

Gene: ZSWIM6 (zinc finger SWIM-type containing 6; plus strand). Cytogenetic location: 5q12.1.
Variant type: single nucleotide variant.
Coding change: c.1523A>G on transcript NM_020928.2 (MANE Select); coding-DNA position 1523, A replaced by G.
Protein change: p.Asn508Ser; replaces asparagine 508 with serine.
Molecular consequence: missense variant.
Genome position (GRCh38, 1-based): chr5:61,525,809, A>G. VCF-style: chr5-61525809-A-G. GRCh37 (hg19) VCF-style: chr5-60821636-A-G.
Other names: short protein forms N508S.
Identifiers: ClinVar variation 4755187 (VCV004755187.1).